The following is an entry in ClinVar:

NM_003185.4(TAF4):c.1974G>C (p.Lys658Asn)

Gene: TAF4 (TATA-box binding protein associated factor 4; minus strand). Cytogenetic location: 20q13.33.
Variant type: single nucleotide variant.
Coding change: c.1974G>C on transcript NM_003185.4 (MANE Select); coding-DNA position 1974, G replaced by C.
Protein change: p.Lys658Asn; replaces lysine 658 with asparagine.
Molecular consequence: missense variant.
Genome position (GRCh38, 1-based): chr20:62,007,547, C>G on the plus strand (G>C on the coding strand, the complement: TAF4 is on the minus strand). VCF-style: chr20-62007547-C-G. GRCh37 (hg19) VCF-style: chr20-60582603-C-G.
Other names: short protein forms K658N.
Identifiers: ClinVar variation 3452661 (VCV003452661.1).

ClinVar aggregate classification (germline): Uncertain significance (1 of 4 stars; one submission).

Conditions:
Inborn genetic diseases. Identifiers: MedGen C0950123, MeSH D030342.

Submission:

Ambry Genetics
Classification: Uncertain significance for Inborn genetic diseases. Last evaluated: 2024-08-30. Review status: criteria provided, single submitter. Criteria: Ambry Variant Classification Scheme 2023. Collection method: clinical testing. Allele origin: germline.
Comment: The c.1974G>C (p.K658N) alteration is located in exon 6 (coding exon 6) of the TAF4 gene. This alteration results from a G to C substitution at nucleotide position 1974, causing the lysine (K) at amino acid position 658 to be replaced by an asparagine (N). This change occurs in the last base pair of coding exon6, which makes it likely to have some effect on normal mRNA splicing. This variant was not reported in population-based cohorts in the Genome Aggregation Database (gnomAD). This nucleotide position and amino acid position are highly conserved in available vertebrate species. The in silico prediction for this amino acid alteration is inconclusive, and in silico splice site analysis predicts that this nucleotide alteration will weaken the native splice donor site. Based on insufficient or conflicting evidence, the clinical significance of this alteration remains unclear.